The following is an entry in ClinVar:

ClinVar aggregate classification (germline): Uncertain significance (1 of 4 stars; one submission).

Conditions:
Colorectal cancer, hereditary nonpolyposis, type 7. Identifiers: Orphanet 144, MedGen C1858380, MONDO:0013725, OMIM 614385.

Submission:

Labcorp Genetics (formerly Invitae), Labcorp
Classification: Uncertain significance for Colorectal cancer, hereditary nonpolyposis, type 7. Last evaluated: 2022-10-29. Review status: criteria provided, single submitter. Criteria: Invitae Variant Classification Sherloc (09022015). Collection method: clinical testing. Allele origin: germline.
Comment: In summary, the available evidence is currently insufficient to determine the role of this variant in disease. Therefore, it has been classified as a Variant of Uncertain Significance. This variant has not been reported in the literature in individuals affected with MLH3-related conditions. This variant is not present in population databases (gnomAD no frequency). This sequence change creates a premature translational stop signal (p.Thr780Tyrfs*8) in the MLH3 gene. It is expected to result in an absent or disrupted protein product. However, the current clinical and genetic evidence is not sufficient to establish whether loss-of-function variants in MLH3 cause disease.

NM_001040108.2(MLH3):c.2337dup (p.Thr780fs)

Gene: MLH3 (mutL homolog 3; minus strand). Cytogenetic location: 14q24.3.
Variant type: Duplication.
Coding change: c.2337dup on transcript NM_001040108.2 (MANE Select); coding-DNA position 2337, one base duplicated (T; older notation c.2337dupT).
Protein change: p.Thr780fs; shifts the reading frame from threonine 780.
Molecular consequence: frameshift variant.
Genome position (GRCh38, 1-based): chr14:75,047,319, A duplicated on the plus strand (T on the coding strand, the reverse complement: MLH3 is on the minus strand). VCF-style (leftmost placement, unchanged base first): chr14-75047318-T-TA. GRCh37 (hg19) VCF-style: chr14-75514021-T-TA.
Other names: c.2337dup, p.Thr780fs (NM_014381.3); short protein forms T780fs.
Identifiers: ClinVar variation 2810649 (VCV002810649.3), dbSNP rs2503272570, ClinGen allele CA2739278189.